The following is an entry in ClinVar:

NM_001458.5(FLNC):c.1858G>C (p.Asp620His)

Gene: FLNC (filamin C; plus strand). Cytogenetic location: 7q32.1.
Variant type: single nucleotide variant.
Coding change: c.1858G>C on transcript NM_001458.5 (MANE Select); coding-DNA position 1858, G replaced by C.
Protein change: p.Asp620His; replaces aspartic acid 620 with histidine.
Molecular consequence: missense variant.
Genome position (GRCh38, 1-based): chr7:128,841,214, G>C. VCF-style: chr7-128841214-G-C. GRCh37 (hg19) VCF-style: chr7-128481268-G-C.
Other names: c.1858G>C, p.Asp620His (NM_001127487.2); short protein forms D620H.
Identifiers: ClinVar variation 576189 (VCV000576189.11), dbSNP rs567514134, ClinGen allele CA369227227.
Genomic context (GRCh38, chr7:128,841,214, plus strand): 5'-CCCCACCTTGCCCCAGGCTTCTCCATCGAGGGGCCCTCACAAGCCAAGATCGAATGTGAC[G>C]ACAAGGGGGATGGCTCCTGCGATGTGCGGTACTGGCCCACGGAGCCTGGGGAGTACGCTG-3'
Protein context (NP_001449.3, residues 610-630): GPSQAKIECD[Asp620His]KGDGSCDVRY

ClinVar aggregate classification (germline): Uncertain significance (1 of 4 stars; one submission).

Conditions:
Distal myopathy with posterior leg and anterior hand involvement. Also called: WILLIAMS DISTAL MYOPATHY. Identifiers: Orphanet 63273, MedGen C3279722, MONDO:0013550, OMIM 614065.
Myofibrillar myopathy 5. Also called: FILAMINOPATHY, AUTOSOMAL DOMINANT; Filaminopathy (type). Identifiers: Orphanet 171445, MedGen C1836050, MONDO:0012289, OMIM 609524.
Hypertrophic cardiomyopathy 26. Also called: Cardiomyopathy, familial hypertrophic, 26. Identifiers: Orphanet 75249, MedGen C4310749, MONDO:0014883, OMIM 617047.

Allele frequency attached by ClinVar (database versions not stated): TOPMed below 0.00001.
gnomAD v4.1: 2 of 1,614,082 alleles (0.00012%); highest among the groups gnomAD compares: Non-Finnish European, 0.000085%; no homozygotes.

Submission:

Labcorp Genetics (formerly Invitae), Labcorp
Classification: Uncertain significance for Distal myopathy with posterior leg and anterior hand involvement; Myofibrillar myopathy 5; Hypertrophic cardiomyopathy 26. Last evaluated: 2019-03-09. Review status: criteria provided, single submitter. Criteria: Invitae Variant Classification Sherloc (09022015). Collection method: clinical testing. Allele origin: germline.
Comment: Algorithms developed to predict the effect of missense changes on protein structure and function do not agree on the potential impact of this missense change (SIFT: "Deleterious"; PolyPhen-2: "Probably Damaging"; Align-GVGD: "Class C0"). This variant has not been reported in the literature in individuals with FLNC-related disease. This variant is not present in population databases (ExAC no frequency). This sequence change replaces aspartic acid with histidine at codon 620 of the FLNC protein (p.Asp620His). The aspartic acid residue is moderately conserved and there is a moderate physicochemical difference between aspartic acid and histidine. In summary, the available evidence is currently insufficient to determine the role of this variant in disease. Therefore, it has been classified as a Variant of Uncertain Significance.